The following is an entry in ClinVar:

ClinVar aggregate classification (germline): Uncertain significance (1 of 4 stars; one submission).

Conditions:
Hereditary spastic paraplegia 43. Also called: Spastic paraplegia 43, autosomal recessive. Identifiers: Orphanet 320370, MedGen C2680446, MONDO:0014024, OMIM 615043.

Submission:

Labcorp Genetics (formerly Invitae), Labcorp
Classification: Uncertain significance for Hereditary spastic paraplegia 43. Last evaluated: 2022-08-08. Review status: criteria provided, single submitter. Criteria: Invitae Variant Classification Sherloc (09022015). Collection method: clinical testing. Allele origin: germline.
Comment: In summary, the available evidence is currently insufficient to determine the role of this variant in disease. Therefore, it has been classified as a Variant of Uncertain Significance. Algorithms developed to predict the effect of missense changes on protein structure and function output the following: SIFT: "Deleterious"; PolyPhen-2: "Benign"; Align-GVGD: "Class C0". The arginine amino acid residue is found in multiple mammalian species, which suggests that this missense change does not adversely affect protein function. This variant has not been reported in the literature in individuals affected with C19orf12-related conditions. This variant is not present in population databases (gnomAD no frequency). This sequence change replaces glutamine, which is neutral and polar, with arginine, which is basic and polar, at codon 130 of the C19orf12 protein (p.Gln130Arg).

NM_031448.6(C19orf12):c.356A>G (p.Gln119Arg)

Gene: C19orf12 (chromosome 19 open reading frame 12; minus strand). Cytogenetic location: 19q12.
Variant type: single nucleotide variant.
Coding change: c.356A>G on transcript NM_031448.6 (MANE Select); coding-DNA position 356, A replaced by G.
Protein change: p.Gln119Arg; replaces glutamine 119 with arginine.
Molecular consequence: missense variant.
Genome position (GRCh38, 1-based): chr19:29,702,782, T>C on the plus strand (A>G on the coding strand, the complement: C19orf12 is on the minus strand). VCF-style: chr19-29702782-T-C. GRCh37 (hg19) VCF-style: chr19-30193689-T-C.
Other names: c.356A>G, p.Gln119Arg (NM_001031726.4, NM_001256047.2); c.301A>G, p.Ser101Gly (NM_001256046.3); c.164A>G, p.Gln55Arg (NM_001282929.1, NM_001282930.3, NM_001282931.3); short protein forms S101G, Q119R, Q55R.
Identifiers: ClinVar variation 2022862 (VCV002022862.4), dbSNP rs377721377, ClinGen allele CA306785205.